The following is an entry in ClinVar:

ClinVar aggregate classification (germline): Uncertain significance (1 of 4 stars; one submission).

Conditions:
Charcot-Marie-Tooth disease dominant intermediate F. Identifiers: Orphanet 352670, MedGen C4749463, MONDO:0014074, OMIM 615185.

Allele frequency attached by ClinVar (database versions not stated): TOPMed 0.00001; gnomAD 0.00001.
gnomAD v4.1: 2 of 1,612,714 alleles (0.00012%); highest among the groups gnomAD compares: African/African-American, 0.0027%; no homozygotes.

Submission:

Labcorp Genetics (formerly Invitae), Labcorp
Classification: Uncertain significance for Charcot-Marie-Tooth disease dominant intermediate F. Last evaluated: 2023-03-30. Review status: criteria provided, single submitter. Criteria: Invitae Variant Classification Sherloc (09022015). Collection method: clinical testing. Allele origin: germline.
Comment: This sequence change replaces methionine, which is neutral and non-polar, with isoleucine, which is neutral and non-polar, at codon 45 of the GNB4 protein (p.Met45Ile). This variant is present in population databases (no rsID available, gnomAD 0.01%). This variant has not been reported in the literature in individuals affected with GNB4-related conditions. ClinVar contains an entry for this variant (Variation ID: 2052001). Advanced modeling of protein sequence and biophysical properties (such as structural, functional, and spatial information, amino acid conservation, physicochemical variation, residue mobility, and thermodynamic stability) performed at Invitae indicates that this missense variant is not expected to disrupt GNB4 protein function. In summary, the available evidence is currently insufficient to determine the role of this variant in disease. Therefore, it has been classified as a Variant of Uncertain Significance.

NM_021629.4(GNB4):c.135G>A (p.Met45Ile)

Gene: GNB4 (G protein subunit beta 4; minus strand). Cytogenetic location: 3q26.33.
Variant type: single nucleotide variant.
Coding change: c.135G>A on transcript NM_021629.4 (MANE Select); coding-DNA position 135, G replaced by A.
Protein change: p.Met45Ile; replaces methionine 45 with isoleucine.
Molecular consequence: missense variant.
Genome position (GRCh38, 1-based): chr3:179,419,467, C>T on the plus strand (G>A on the coding strand, the complement: GNB4 is on the minus strand). VCF-style: chr3-179419467-C-T. GRCh37 (hg19) VCF-style: chr3-179137255-C-T.
Other names: short protein forms M45I.
Identifiers: ClinVar variation 2052001 (VCV002052001.4), dbSNP rs1025578873, ClinGen allele CA88749608.